The following is an entry in ClinVar:

NM_003664.5(AP3B1):c.680G>A (p.Arg227His)

Gene: AP3B1 (adaptor related protein complex 3 subunit beta 1; minus strand). Cytogenetic location: 5q14.1.
Variant type: single nucleotide variant.
Coding change: c.680G>A on transcript NM_003664.5 (MANE Select); coding-DNA position 680, G replaced by A.
Protein change: p.Arg227His; replaces arginine 227 with histidine.
Molecular consequence: missense variant.
Genome position (GRCh38, 1-based): chr5:78,216,161, C>T on the plus strand (G>A on the coding strand, the complement: AP3B1 is on the minus strand). VCF-style: chr5-78216161-C-T. GRCh37 (hg19) VCF-style: chr5-77511985-C-T.
Other names: p.Arg227His; c.533G>A, p.Arg178His (NM_001271769.2); c.680G>A, p.Arg227His (NM_001410752.1); short protein forms R178H, R227H.
Identifiers: ClinVar variation 3127509 (VCV003127509.3), dbSNP rs367631130, ClinGen allele CA3317308.

ClinVar aggregate classification (germline): Uncertain significance. Review status: criteria provided, multiple submitters, no conflicts (2 of 4 stars). 3 submissions from 3 submitters: Uncertain significance (3). Last evaluated 2025-12-22.

Conditions:
Inborn genetic diseases. Identifiers: MedGen C0950123, MeSH D030342.

Allele frequency attached by ClinVar (database versions not stated): gnomAD 0.00001; gnomAD exomes 0.00001; ExAC 0.00002; ESP Exome Variant Server 0.00008.
gnomAD v4.1: 12 of 1,613,796 alleles (0.00074%); highest among the groups gnomAD compares: East Asian, 0.0045%; no homozygotes.

Submissions (3):

Women's Health and Genetics/Laboratory Corporation of America, LabCorp
Classification: Uncertain significance. Last evaluated: 2025-12-22. Review status: criteria provided, single submitter. Criteria: LabCorp Variant Classification Summary - May 2015. Collection method: clinical testing. Allele origin: germline.
Comment: Variant summary: AP3B1 c.680G>A (p.Arg227His) results in a non-conservative amino acid change in the encoded protein sequence. Algorithms developed to predict the effect of missense changes on protein structure and function are either unavailable or do not agree on the potential impact of this missense change. The variant allele was found at a frequency of 8e-06 in 251326 control chromosomes. The available data on variant occurrences in the general population are insufficient to allow any conclusion about variant significance. To our knowledge, no occurrence of c.680G>A in individuals affected with AP3B1-related conditions and no experimental evidence demonstrating its impact on protein function have been reported. ClinVar contains an entry for this variant (Variation ID: 3127509). Based on the evidence outlined above, the variant was classified as uncertain significance.

Mayo Clinic Laboratories, Mayo Clinic
Classification: Uncertain significance. Last evaluated: 2024-10-25. Review status: criteria provided, single submitter. Criteria: ACMG Guidelines, 2015. Collection method: clinical testing. Allele origin: germline. Observed: 1 variant allele.
Comment: PM1_supporting, PM2_supporting

Ambry Genetics
Classification: Uncertain significance for Inborn genetic diseases. Last evaluated: 2024-02-21. Review status: criteria provided, single submitter. Criteria: Ambry Variant Classification Scheme 2023. Collection method: clinical testing. Allele origin: germline.